The following is an entry in ClinVar:

NM_178857.6(RP1L1):c.7071G>C (p.Leu2357Phe)

Gene: RP1L1 (RP1 like 1). Cytogenetic location: 8p23.1.
Variant type: single nucleotide variant.
Coding change: c.7071G>C on transcript NM_178857.6 (MANE Select); coding-DNA position 7071, G replaced by C.
Protein change: p.Leu2357Phe; replaces leucine 2357 with phenylalanine.
Molecular consequence: missense variant.
Genome position (GRCh38, 1-based): chr8:10,607,027, C>G on the plus strand (G>C on the coding strand, the complement: RP1L1 is on the minus strand). VCF-style: chr8-10607027-C-G. GRCh37 (hg19) VCF-style: chr8-10464537-C-G.
Other names: short protein forms L2357F.
Identifiers: ClinVar variation 4980454 (VCV004980454.1).

ClinVar aggregate classification (germline): Uncertain significance (1 of 4 stars; one submission).

Conditions:
RP1L1-related disorder. Also called: RP1L1-related condition.

gnomAD v4.1: 10 of 1,614,216 alleles (0.00062%); highest among the groups gnomAD compares: Admixed American, 0.017%; no homozygotes.

Submission:

PreventionGenetics, part of Exact Sciences
Classification: Uncertain significance for RP1L1-related condition. Last evaluated: 2026-05-29. Review status: criteria provided, single submitter. Criteria: ACMG Guidelines, 2015. Collection method: clinical testing. Allele origin: germline.
Comment: The RP1L1 c.7071G>C variant is predicted to result in the amino acid substitution p.Leu2357Phe. To our knowledge, this variant has not been reported in the literature. This variant is reported in 0.026% of alleles in individuals of Latino descent in gnomAD. At this time, the clinical significance of this variant is uncertain due to the absence of conclusive functional and genetic evidence.